The following is an entry in ClinVar:

ClinVar aggregate classification (germline): Likely benign (0 of 4 stars; one submission).

Conditions:
ATP2B4-related disorder. Also called: ATP2B4-related condition.

gnomAD v4.1: 68 of 1,600,970 alleles (0.0042%); highest among the groups gnomAD compares: East Asian, 0.14%; no homozygotes.

Submission:

PreventionGenetics, part of Exact Sciences
Classification: Likely benign for ATP2B4-related condition. Last evaluated: 2019-04-24. Review status: no assertion criteria provided. Collection method: clinical testing. Allele origin: germline.
Comment: This variant is classified as likely benign based on ACMG/AMP sequence variant interpretation guidelines (Richards et al. 2015 PMID: 25741868, with internal and published modifications).

NM_001684.5(ATP2B4):c.3132+10G>A

Gene: ATP2B4 (ATPase plasma membrane Ca2+ transporting 4; plus strand). Cytogenetic location: 1q32.1.
Variant type: single nucleotide variant.
Coding change: c.3132+10G>A on transcript NM_001684.5 (MANE Select); 10 bases into the intron after coding-DNA position 3132, G replaced by A.
Molecular consequence: intron variant.
Genome position (GRCh38, 1-based): chr1:203,723,998, G>A. VCF-style: chr1-203723998-G-A. GRCh37 (hg19) VCF-style: chr1-203693126-G-A.
Other names: c.3132+10G>A (NM_001001396.3, NM_001365783.2, NM_001365784.2).
Identifiers: ClinVar variation 3353064 (VCV003353064.1).
Genomic context (GRCh38, chr1:203,723,998, plus strand): 5'-CAGTGGCTGTGGTGTCTCTTCATTGGGATTGGAGAACTTCTGTGGGGCCAGGTGAGTACC[G>A]GCACACCCTCCTGGTGCATTCTCACAGCCTGCAGAACTCCCCTCCTCTACATGAGATGGA-3'